The following is an entry in ClinVar:

ClinVar aggregate classification (germline): Uncertain significance. Review status: criteria provided, multiple submitters, no conflicts (2 of 4 stars). 2 submissions from 2 submitters: Uncertain significance (2). Last evaluated 2025-03-23.

Allele frequency attached by ClinVar (database versions not stated): gnomAD exomes 0.00005; ESP Exome Variant Server 0.00008; gnomAD 0.00005 and 0.00006; TOPMed 0.00004; ExAC 0.00007.
gnomAD v4.1: 66 of 1,603,954 alleles (0.0041%); highest among the groups gnomAD compares: Non-Finnish European, 0.0054%; no homozygotes.

Submissions (2):

GeneDx
Classification: Uncertain significance. Last evaluated: 2025-03-23. Review status: criteria provided, single submitter. Criteria: GeneDx Variant Classification Process June 2021. Collection method: clinical testing. Allele origin: germline.
Comment: Not observed at significant frequency in large population cohorts (gnomAD); In silico analysis indicates that this missense variant does not alter protein structure/function; Has not been previously published as pathogenic or benign to our knowledge

Labcorp Genetics (formerly Invitae), Labcorp
Classification: Uncertain significance. Last evaluated: 2022-09-13. Review status: criteria provided, single submitter. Criteria: Invitae Variant Classification Sherloc (09022015). Collection method: clinical testing. Allele origin: germline.
Comment: This sequence change replaces glutamic acid, which is acidic and polar, with aspartic acid, which is acidic and polar, at codon 38 of the FDX2 protein (p.Glu38Asp). This variant is present in population databases (rs377762851, gnomAD 0.01%). This variant has not been reported in the literature in individuals affected with FDX2-related conditions. ClinVar contains an entry for this variant (Variation ID: 1435775). Algorithms developed to predict the effect of missense changes on protein structure and function output the following: SIFT: "Tolerated"; PolyPhen-2: "Not Available"; Align-GVGD: "Class C0". The aspartic acid amino acid residue is found in multiple mammalian species, which suggests that this missense change does not adversely affect protein function. In summary, the available evidence is currently insufficient to determine the role of this variant in disease. Therefore, it has been classified as a Variant of Uncertain Significance.

NM_001397406.1(FDX2):c.105G>C (p.Glu35Asp)

Genes: FDX2 (ferredoxin 2; minus strand), FDX2-ZGLP1 (FDX2-ZGLP1 readthrough (NMD candidate); minus strand). Cytogenetic location: 19p13.2.
Variant type: single nucleotide variant.
Coding change: c.105G>C on transcript NM_001397406.1 (MANE Select); coding-DNA position 105, G replaced by C.
Protein change: p.Glu35Asp; replaces glutamic acid 35 with aspartic acid.
Molecular consequence: missense variant. On other transcripts: non-coding transcript variant (2).
Genome position (GRCh38, 1-based): chr19:10,315,892, C>G on the plus strand (G>C on the coding strand, the complement: FDX2 is on the minus strand). VCF-style: chr19-10315892-C-G. GRCh37 (hg19) VCF-style: chr19-10426568-C-G.
Other names: c.114G>C (NM_001031734.3); short protein forms E35D.
Identifiers: ClinVar variation 1435775 (VCV001435775.7), dbSNP rs377762851, ClinGen allele CA9191352.
Genomic context (GRCh38, chr19:10,315,892, plus strand): 5'-GCCCCGGGCGCCCCAGGTACCTGTCGCTTGAAACTTTCTGGTTGTCCCCAGCGCCACCCC[C>G]TCCCCCGACCCGGAAGTGCCCCCAGGTCTGTTCCACCAGGTGCCCCTGGCAGCCTGCAGT-3'
Protein context (NP_001384335.1, residues 25-45): NRPGGTSGSG[Glu35Asp]GVALGTTRKF